The following is an entry in ClinVar:

NM_000455.5(STK11):c.*16+7C>T

Gene: STK11 (serine/threonine kinase 11; plus strand). Cytogenetic location: 19p13.3.
Variant type: single nucleotide variant.
Coding change: c.*16+7C>T on transcript NM_000455.5 (MANE Select); 7 bases into the intron after 16 bases downstream of the stop codon, C replaced by T.
Molecular consequence: intron variant.
Genome position (GRCh38, 1-based): chr19:1,226,670, C>T. VCF-style: chr19-1226670-C-T. GRCh37 (hg19) VCF-style: chr19-1226669-C-T.
Identifiers: ClinVar variation 378682 (VCV000378682.8), dbSNP rs992400907, ClinGen allele CA16608854.

ClinVar aggregate classification (germline): Likely benign. Review status: criteria provided, multiple submitters, no conflicts (2 of 4 stars). 2 submissions from 2 submitters: Likely benign (2). Last evaluated 2025-03-04.

Allele frequency attached by ClinVar (database versions not stated): gnomAD 0.00005; gnomAD exomes 0.00005; TOPMed 0.00006.
gnomAD v4.1: 101 of 1,490,806 alleles (0.0068%); highest among the groups gnomAD compares: Non-Finnish European, 0.0083%; no homozygotes.

Submissions (2):

Center for Genomic Medicine, Rigshospitalet, Copenhagen University Hospital
Classification: Likely benign. Last evaluated: 2025-03-04. Review status: criteria provided, single submitter. Criteria: ACMG Guidelines, 2015. Collection method: clinical testing. Allele origin: germline.

GeneDx
Classification: Likely benign. Last evaluated: 2017-02-17. Review status: criteria provided, single submitter. Criteria: GeneDx Variant Classification (06012015). Collection method: clinical testing. Allele origin: germline. Affected: yes.
Comment: This variant is considered likely benign or benign based on one or more of the following criteria: it is a conservative change, it occurs at a poorly conserved position in the protein, it is predicted to be benign by multiple in silico algorithms, and/or has population frequency not consistent with disease.